The following is an entry in ClinVar:

ClinVar aggregate classification (germline): Uncertain significance (1 of 4 stars; one submission).

Submission:

GeneDx
Classification: Uncertain significance. Last evaluated: 2025-10-26. Review status: criteria provided, single submitter. Criteria: GeneDx Variant Classification Process June 2021. Collection method: clinical testing. Allele origin: germline.
Comment: Not observed at significant frequency in large population cohorts (gnomAD); In silico analysis supports that this missense variant has a deleterious effect on protein structure/function; Has not been previously published as pathogenic or benign to our knowledge

NM_012199.5(AGO1):c.2554C>T (p.Arg852Cys)

Gene: AGO1 (argonaute RISC component 1; plus strand). Cytogenetic location: 1p34.3.
Variant type: single nucleotide variant.
Coding change: c.2554C>T on transcript NM_012199.5 (MANE Select); coding-DNA position 2554, C replaced by T.
Protein change: p.Arg852Cys; replaces arginine 852 with cysteine.
Molecular consequence: missense variant.
Genome position (GRCh38, 1-based): chr1:35,919,587, C>T. VCF-style: chr1-35919587-C-T. GRCh37 (hg19) VCF-style: chr1-36385188-C-T.
Other names: c.2554C>T, p.Arg852Cys (NM_001317122.2); c.2329C>T, p.Arg777Cys (NM_001317123.2); short protein forms R777C, R852C.
Identifiers: ClinVar variation 3368078 (VCV003368078.2).